The following is an entry in ClinVar:

NM_001174089.2(SLC4A11):c.384G>A (p.Thr128=)

Gene: SLC4A11 (solute carrier family 4 member 11; minus strand). Cytogenetic location: 20p13.
Variant type: single nucleotide variant.
Coding change: c.384G>A on transcript NM_001174089.2 (MANE Select); coding-DNA position 384, G replaced by A.
Protein change: p.Thr128=; no amino-acid change (threonine 128 retained).
Molecular consequence: synonymous variant. On other transcripts: non-coding transcript variant (1).
Genome position (GRCh38, 1-based): chr20:3,234,222, C>T on the plus strand (G>A on the coding strand, the complement: SLC4A11 is on the minus strand). VCF-style: chr20-3234222-C-T. GRCh37 (hg19) VCF-style: chr20-3214868-C-T.
Other names: c.513G>A, p.Thr171= (NM_001174090.2); c.384G>A, p.Thr128= (NM_001363745.2); c.432G>A, p.Thr144= (NM_032034.4).
Identifiers: ClinVar variation 734650 (VCV000734650.12), dbSNP rs761675091, ClinGen allele CA9742313.

ClinVar aggregate classification (germline): Likely benign. Review status: criteria provided, multiple submitters, no conflicts (2 of 4 stars). 3 submissions from 3 submitters: Likely benign (2). 1 of the submissions does not count toward it. Last evaluated 2025-12-10.

Conditions:
SLC4A11-related disorder. Also called: SLC4A11-related condition.
Corneal dystrophy-perceptive deafness syndrome (CDPD). Also called: HARBOYAN SYNDROME; CORNEAL DYSTROPHY AND SENSORINEURAL DEAFNESS. Identifiers: Orphanet 1490, MedGen C1857572, MONDO:0009015, OMIM 217400.

Allele frequency attached by ClinVar (database versions not stated): TOPMed below 0.00001; gnomAD 0.00001; gnomAD exomes 0.00002; ExAC 0.00003.
gnomAD v4.1: 27 of 1,613,944 alleles (0.0017%); highest among the groups gnomAD compares: Middle Eastern, 0.049%; no homozygotes.

Submissions (3):

Labcorp Genetics (formerly Invitae), Labcorp
Classification: Likely benign. Last evaluated: 2025-12-10. Review status: criteria provided, single submitter. Criteria: Invitae Variant Classification Sherloc (09022015). Collection method: clinical testing. Allele origin: germline.

PreventionGenetics, part of Exact Sciences
Classification: Likely benign for SLC4A11-related condition. Last evaluated: 2025-07-31. Review status: criteria provided, single submitter. Criteria: ACMG Guidelines, 2015. Collection method: clinical testing. Allele origin: germline.
Comment: This variant is classified as likely benign based on ACMG/AMP sequence variant interpretation guidelines (Richards et al. 2015 PMID: 25741868, with internal and published modifications).

Natera, Inc.
Classification: Uncertain significance for Harboyan syndrome. Last evaluated: 2020-01-07. Review status: no assertion criteria provided. Collection method: clinical testing. Allele origin: germline. Not counted in ClinVar's aggregate classification.